The following is an entry in ClinVar:

ClinVar aggregate classification (germline): Uncertain significance (1 of 4 stars; one submission).

Allele frequency attached by ClinVar (database versions not stated): gnomAD exomes 0.00001; ExAC 0.00002.
gnomAD v4.1: 20 of 1,614,008 alleles (0.0012%); highest among the groups gnomAD compares: South Asian, 0.0044%; no homozygotes.

Submission:

Labcorp Genetics (formerly Invitae), Labcorp
Classification: Uncertain significance. Last evaluated: 2019-09-25. Review status: criteria provided, single submitter. Criteria: Invitae Variant Classification Sherloc (09022015). Collection method: clinical testing. Allele origin: germline.
Comment: In summary, the available evidence is currently insufficient to determine the role of this variant in disease. Therefore, it has been classified as a Variant of Uncertain Significance. Algorithms developed to predict the effect of missense changes on protein structure and function (SIFT, PolyPhen-2, Align-GVGD) all suggest that this variant is likely to be tolerated, but these predictions have not been confirmed by published functional studies and their clinical significance is uncertain. This variant has not been reported in the literature in individuals with ABCC6-related conditions. This variant is present in population databases (rs752725393, ExAC 0.01%). This sequence change replaces glutamic acid with lysine at codon 286 of the ABCC6 protein (p.Glu286Lys). The glutamic acid residue is weakly conserved and there is a small physicochemical difference between glutamic acid and lysine.

NM_001171.6(ABCC6):c.856G>A (p.Glu286Lys)

Gene: ABCC6 (ATP binding cassette subfamily C member 6; minus strand). Cytogenetic location: 16p13.11.
Variant type: single nucleotide variant.
Coding change: c.856G>A on transcript NM_001171.6 (MANE Select); coding-DNA position 856, G replaced by A.
Protein change: p.Glu286Lys; replaces glutamic acid 286 with lysine.
Molecular consequence: missense variant. On other transcripts: non-coding transcript variant (1).
Genome position (GRCh38, 1-based): chr16:16,203,552, C>T on the plus strand (G>A on the coding strand, the complement: ABCC6 is on the minus strand). VCF-style: chr16-16203552-C-T. GRCh37 (hg19) VCF-style: chr16-16297409-C-T.
Other names: c.514G>A, p.Glu172Lys (NM_001351800.1); short protein forms E172K, E286K.
Identifiers: ClinVar variation 957375 (VCV000957375.9), dbSNP rs752725393, ClinGen allele CA7926528.